The following is an entry in ClinVar:

ClinVar aggregate classification (germline): Uncertain significance (1 of 4 stars; one submission).

Allele frequency attached by ClinVar (database versions not stated): gnomAD exomes below 0.00001; TOPMed below 0.00001; gnomAD 0.00001.
gnomAD v4.1: 3 of 1,614,016 alleles (0.00019%); highest among the groups gnomAD compares: South Asian, 0.0022%; no homozygotes.

Submission:

Labcorp Genetics (formerly Invitae), Labcorp
Classification: Uncertain significance. Last evaluated: 2023-05-20. Review status: criteria provided, single submitter. Criteria: Invitae Variant Classification Sherloc (09022015). Collection method: clinical testing. Allele origin: germline.
Comment: This sequence change replaces lysine, which is basic and polar, with threonine, which is neutral and polar, at codon 619 of the GHR protein (p.Lys619Thr). This variant is not present in population databases (gnomAD no frequency). This variant has not been reported in the literature in individuals affected with GHR-related conditions. An algorithm developed to predict the effect of missense changes on protein structure and function (PolyPhen-2) suggests that this variant is likely to be disruptive. In summary, the available evidence is currently insufficient to determine the role of this variant in disease. Therefore, it has been classified as a Variant of Uncertain Significance.

NM_000163.5(GHR):c.1856A>C (p.Lys619Thr)

Gene: GHR (growth hormone receptor; plus strand). Cytogenetic location: 5p12.
Variant type: single nucleotide variant.
Coding change: c.1856A>C on transcript NM_000163.5 (MANE Select); coding-DNA position 1856, A replaced by C.
Protein change: p.Lys619Thr; replaces lysine 619 with threonine.
Molecular consequence: missense variant. On other transcripts: 3 prime UTR variant (1).
Genome position (GRCh38, 1-based): chr5:42,719,363, A>C. VCF-style: chr5-42719363-A-C. GRCh37 (hg19) VCF-style: chr5-42719465-A-C.
Other names: c.1877A>C, p.Lys626Thr (NM_001242399.2); c.1856A>C, p.Lys619Thr (NM_001242400.2, NM_001242401.4, NM_001242402.2 and 4 more transcripts); c.1790A>C, p.Lys597Thr (NM_001242460.2); c.*898A>C (NM_001242462.1); short protein forms K597T, K626T, K619T.
Identifiers: ClinVar variation 3024005 (VCV003024005.3), dbSNP rs1369422782, ClinGen allele CA359631129.